The following is an entry in ClinVar:

NM_000263.4(NAGLU):c.1690_1693del (p.Thr564fs)

Gene: NAGLU (N-acetyl-alpha-glucosaminidase; plus strand). Cytogenetic location: 17q21.2.
Variant type: Deletion.
Coding change: c.1690_1693del on transcript NM_000263.4 (MANE Select); coding-DNA positions 1690 to 1693, 4 bases deleted (ACTC; older notation c.1690_1693delACTC).
Protein change: p.Thr564fs; shifts the reading frame from threonine 564.
Molecular consequence: frameshift variant.
Genome position (GRCh38, 1-based): chr17:42,543,696-42,543,699, ACTC deleted; deleting any 4 consecutive bases within chr17:42,543,693-42,543,699 gives the same sequence; the c. name uses the placement nearest the transcript's 3' end. VCF-style (leftmost placement, unchanged base first): chr17-42543692-CCTCA-C. GRCh37 (hg19) VCF-style: chr17-40695710-CCTCA-C.
Other names: short protein forms T564fs.
Identifiers: ClinVar variation 2948075 (VCV002948075.3), dbSNP rs2510660121, ClinGen allele CA2740095369.

ClinVar aggregate classification (germline): Pathogenic (1 of 4 stars; one submission).

Conditions:
Charcot-Marie-Tooth disease axonal type 2V. Also called: CHARCOT-MARIE-TOOTH NEUROPATHY, TYPE 2V; CHARCOT-MARIE-TOOTH DISEASE, AXONAL, AUTOSOMAL DOMINANT, TYPE 2V. Identifiers: Orphanet 447964, MedGen C5569050, MONDO:0014665, OMIM 616491.
Mucopolysaccharidosis, MPS-III-B (MPS3B). Also called: N-ACETYL-ALPHA-D-GLUCOSAMINIDASE DEFICIENCY; NAGLU DEFICIENCY; SANFILIPPO SYNDROME B; MPS III B; Mucopolysaccharidosis type IIIB (Sanfilippo B); MUCOPOLYSACCHARIDOSIS, TYPE IIIB. Identifiers: Orphanet 79270, MedGen C0086648, MONDO:0009656, OMIM 252920.

Submission:

Labcorp Genetics (formerly Invitae), Labcorp
Classification: Pathogenic for Charcot-Marie-Tooth disease axonal type 2V; Mucopolysaccharidosis, MPS-III-B. Last evaluated: 2023-05-22. Review status: criteria provided, single submitter. Criteria: Invitae Variant Classification Sherloc (09022015). Collection method: clinical testing. Allele origin: germline.
Comment: For these reasons, this variant has been classified as Pathogenic. This variant disrupts a region of the NAGLU protein in which other variant(s) (p.Glu705Lys) have been determined to be pathogenic (PMID: 9832037; Invitae). This suggests that this is a clinically significant region of the protein, and that variants that disrupt it are likely to be disease-causing. This variant has not been reported in the literature in individuals affected with NAGLU-related conditions. This variant is not present in population databases (gnomAD no frequency). This sequence change creates a premature translational stop signal (p.Thr564Glyfs*20) in the NAGLU gene. While this is not anticipated to result in nonsense mediated decay, it is expected to disrupt the last 180 amino acid(s) of the NAGLU protein.

Literature cited by the submitters: PubMed 9832037.